The following is an entry in ClinVar:

ClinVar aggregate classification (germline): Likely benign (1 of 4 stars; one submission).

Allele frequency attached by ClinVar (database versions not stated): 1000 Genomes Project 30x 0.00016; 1000 Genomes Project 0.00020; ESP Exome Variant Server 0.00262; ExAC 0.00326; gnomAD 0.00327.
gnomAD v4.1: 4,717 of 1,610,486 alleles (0.29%); highest among the groups gnomAD compares: Non-Finnish European, 0.33%; 165 homozygotes.

Submission:

CeGaT Center for Human Genetics Tuebingen
Classification: Likely benign. Last evaluated: 2025-03-01. Review status: criteria provided, single submitter. Criteria: CeGaT Center For Human Genetics Tuebingen Variant Classification Criteria Version 2. Collection method: clinical testing. Allele origin: germline. Affected: yes. Observed: 2 variant alleles.
Comment: MRGPRX1: BP4, BP7, BS2

NM_001393578.1(MRGPRX1):c.126G>A (p.Leu42=)

Gene: MRGPRX1 (MAS related GPR family member X1; minus strand). Cytogenetic location: 11p15.1.
Variant type: single nucleotide variant.
Coding change: c.126G>A on transcript NM_001393578.1 (MANE Select); coding-DNA position 126, G replaced by A.
Protein change: p.Leu42=; no amino-acid change (leucine 42 retained).
Molecular consequence: synonymous variant.
Genome position (GRCh38, 1-based): chr11:18,934,659, C>T on the plus strand (G>A on the coding strand, the complement: MRGPRX1 is on the minus strand). VCF-style: chr11-18934659-C-T. GRCh37 (hg19) VCF-style: chr11-18956206-C-T.
Other names: c.126G>A, p.Leu42= (NM_147199.4).
Identifiers: ClinVar variation 2641675 (VCV002641675.24), dbSNP rs147529961, ClinGen allele CA5915622.